The following is an entry in ClinVar:

ClinVar aggregate classification (germline): Uncertain significance (1 of 4 stars; one submission).

Conditions:
Senior-Loken syndrome 7 (SLSN7). Identifiers: Orphanet 3156, MedGen C3150877, MONDO:0013326, OMIM 613615.
Bardet-Biedl syndrome 16 (BBS16). Identifiers: Orphanet 110, MedGen C3889474, MONDO:0014444, OMIM 615993.

gnomAD v4.1: 4 of 1,614,120 alleles (0.00025%); highest among the groups gnomAD compares: Non-Finnish European, 0.00034%; no homozygotes.

Submission:

Labcorp Genetics (formerly Invitae), Labcorp
Classification: Uncertain significance for Bardet-Biedl syndrome 16; Senior-Loken syndrome 7. Last evaluated: 2022-08-10. Review status: criteria provided, single submitter. Criteria: Invitae Variant Classification Sherloc (09022015). Collection method: clinical testing. Allele origin: germline.
Comment: This variant has not been reported in the literature in individuals affected with SDCCAG8-related conditions. This variant is present in population databases (no rsID available, gnomAD 0.0009%). This sequence change replaces alanine, which is neutral and non-polar, with aspartic acid, which is acidic and polar, at codon 61 of the SDCCAG8 protein (p.Ala61Asp). In summary, the available evidence is currently insufficient to determine the role of this variant in disease. Therefore, it has been classified as a Variant of Uncertain Significance. Algorithms developed to predict the effect of missense changes on protein structure and function (SIFT, PolyPhen-2, Align-GVGD) all suggest that this variant is likely to be tolerated.

NM_006642.5(SDCCAG8):c.182C>A (p.Ala61Asp)

Gene: SDCCAG8 (SHH signaling and ciliogenesis regulator SDCCAG8; plus strand). Cytogenetic location: 1q43.
Variant type: single nucleotide variant.
Coding change: c.182C>A on transcript NM_006642.5 (MANE Select); coding-DNA position 182, C replaced by A.
Protein change: p.Ala61Asp; replaces alanine 61 with aspartic acid.
Molecular consequence: missense variant. On other transcripts: 5 prime UTR variant (4).
Genome position (GRCh38, 1-based): chr1:243,270,219, C>A. VCF-style: chr1-243270219-C-A. GRCh37 (hg19) VCF-style: chr1-243433521-C-A.
Other names: c.-931C>A (NM_001350246.2); c.-819C>A (NM_001350247.2); c.182C>A, p.Ala61Asp (NM_001350248.2); c.-113C>A (NM_001350249.2); c.-1192C>A (NM_001350251.2); short protein forms A61D.
Identifiers: ClinVar variation 2109795 (VCV002109795.3), dbSNP rs1466620787, ClinGen allele CA345474235.